The following is an entry in ClinVar:

ClinVar aggregate classification (germline): Uncertain significance (1 of 4 stars; one submission).

Submission:

CeGaT Center for Human Genetics Tuebingen
Classification: Uncertain significance. Last evaluated: 2024-03-01. Review status: criteria provided, single submitter. Criteria: CeGaT Center For Human Genetics Tuebingen Variant Classification Criteria Version 2. Collection method: clinical testing. Allele origin: germline. Affected: yes. Observed: 1 variant allele.
Comment: TTN: PM2

NM_001267550.2(TTN):c.16972G>T (p.Ala5658Ser)

Genes: TTN (titin; minus strand), LOC126806431 (CDK7 strongly-dependent group 2 enhancer GRCh37_chr2:179595719-179596918; plus strand). Cytogenetic location: 2q31.2.
Variant type: single nucleotide variant.
Coding change: c.16972G>T on transcript NM_001267550.2 (MANE Select); coding-DNA position 16972, G replaced by T.
Protein change: p.Ala5658Ser; replaces alanine 5658 with serine.
Molecular consequence: missense variant. On other transcripts: intron variant (3).
Genome position (GRCh38, 1-based): chr2:178,731,903, C>A on the plus strand (G>T on the coding strand, the complement: TTN is on the minus strand). VCF-style: chr2-178731903-C-A. GRCh37 (hg19) VCF-style: chr2-179596630-C-A.
Other names: c.16021G>T, p.Ala5341Ser (NM_001256850.1); c.13240G>T, p.Ala4414Ser (NM_133378.4); c.13282+6179G>T (NM_003319.4); c.13858+6179G>T (NM_133437.4); c.13657+6179G>T (NM_133432.3); short protein forms A4414S, A5341S, A5658S.
Identifiers: ClinVar variation 3067394 (VCV003067394.21), dbSNP rs2530090001, ClinGen allele CA349576978.
Genomic context (GRCh38, chr2:178,731,903, plus strand): 5'-GCAGGATTGTGTTATCTTTGAACCAAGTGATCTCAAAGGGAGGAGTGCCTGCCACCTCAG[C>A]CAGCAACATGACATCGTACTCCTTTAAGACTTCAATTGGCTTAAATTCCTTGGTAAAATA-3'
Protein context (NP_001254479.2, residues 5648-5668): VLKEYDVMLL[Ala5658Ser]EVAGTPPFEI